The following is an entry in ClinVar:

ClinVar aggregate classification (germline): Uncertain significance (1 of 4 stars; one submission).

Conditions:
Catecholaminergic polymorphic ventricular tachycardia (CVPT). Also called: Catecholamine-induced polymorphic ventricular tachycardia. Identifiers: Orphanet 3286, MedGen C5574922, MONDO:0017990.

Submission:

All of Us Research Program, National Institutes of Health
Classification: Uncertain significance for Catecholaminergic polymorphic ventricular tachycardia. Last evaluated: 2023-10-06. Review status: criteria provided, single submitter. Criteria: ACMG Guidelines, 2015. Collection method: clinical testing. Allele origin: germline. Inheritance: Autosomal dominant inheritance. Observed: 1 variant allele, 1 heterozygote.
Comment: This missense variant replaces serine with phenylalanine at codon 4718 of the RYR2 protein. Computational prediction suggests that this variant may have deleterious impact on protein structure and function (internally defined REVEL score threshold >= 0.7, PMID: 27666373). To our knowledge, functional studies have not been reported for this variant. This variant has not been reported in individuals affected with RYR2-related disorders in the literature. This variant has not been identified in the general population by the Genome Aggregation Database (gnomAD). The available evidence is insufficient to determine the role of this variant in disease conclusively. Therefore, this variant is classified as a Variant of Uncertain Significance.

This study involves interpretation of variants in research participants for the purpose of population health screening. Participant phenotype was not available at the time of variant classification. Additional details can be found in publication PMID: 35346344, PMCID: PMC8962531

NM_001035.3(RYR2):c.14153C>T (p.Ser4718Phe)

Gene: RYR2 (ryanodine receptor 2; plus strand). Cytogenetic location: 1q43.
Variant type: single nucleotide variant.
Coding change: c.14153C>T on transcript NM_001035.3 (MANE Select); coding-DNA position 14153, C replaced by T.
Protein change: p.Ser4718Phe; replaces serine 4718 with phenylalanine.
Molecular consequence: missense variant.
Genome position (GRCh38, 1-based): chr1:237,806,138, C>T. VCF-style: chr1-237806138-C-T. GRCh37 (hg19) VCF-style: chr1-237969438-C-T.
Other names: short protein forms S4718F.
Identifiers: ClinVar variation 3073711 (VCV003073711.1), dbSNP rs746608763, ClinGen allele CA345422547.